The following is an entry in ClinVar:

ClinVar aggregate classification (germline): Benign (1 of 4 stars; one submission).

Allele frequency attached by ClinVar (database versions not stated): gnomAD exomes 0.67483; TOPMed 0.69408; gnomAD 0.69704; 1000 Genomes Project 0.70188; 1000 Genomes Project 30x 0.70206.
gnomAD v4.1: 450,889 of 663,600 alleles (68%); highest among the groups gnomAD compares: African/African-American, 77%; 153,858 homozygotes.

Submission:

Unidad de Genómica Garrahan, Hospital de Pediatría Garrahan
Classification: Benign. Last evaluated: 2024-01-24. Review status: criteria provided, single submitter. Criteria: ACMG Guidelines, 2015. Collection method: clinical testing. Allele origin: germline. Affected: no. Observed: 66 variant alleles.
Comment: This variant is classified as Benign based on local population frequency. This variant was detected in 69% of patients studied by a panel of primary immunodeficiencies. Number of patients: 66. Only high quality variants are reported.

NM_003120.3(SPI1):c.493+334T>G

Gene: SPI1 (Spi-1 proto-oncogene; minus strand). Cytogenetic location: 11p11.2.
Variant type: single nucleotide variant.
Coding change: c.493+334T>G on transcript NM_003120.3 (MANE Select); 334 bases into the intron after coding-DNA position 493, T replaced by G.
Molecular consequence: intron variant.
Genome position (GRCh38, 1-based): chr11:47,358,510, A>C on the plus strand (T>G on the coding strand, the complement: SPI1 is on the minus strand). VCF-style: chr11-47358510-A-C. GRCh37 (hg19) VCF-style: chr11-47380061-A-C.
Other names: c.496+334T>G (NM_001080547.2).
Identifiers: ClinVar variation 2688018 (VCV002688018.2), dbSNP rs10734557, ClinGen allele CA13416647.